The following is an entry in ClinVar:

ClinVar aggregate classification (germline): Uncertain significance (1 of 4 stars; one submission).

Allele frequency attached by ClinVar (database versions not stated): gnomAD exomes 0.00001 and 0.00005; TOPMed 0.00001; gnomAD 0.00002.
gnomAD v4.1: 82 of 1,613,966 alleles (0.0051%); highest among the groups gnomAD compares: Non-Finnish European, 0.0066%; no homozygotes.

Submission:

Labcorp Genetics (formerly Invitae), Labcorp
Classification: Uncertain significance. Last evaluated: 2025-10-01. Review status: criteria provided, single submitter. Criteria: Invitae Variant Classification Sherloc (09022015). Collection method: clinical testing. Allele origin: germline.
Comment: This sequence change replaces asparagine, which is neutral and polar, with serine, which is neutral and polar, at codon 180 of the IL23R protein (p.Asn180Ser). This variant is present in population databases (no rsID available, gnomAD 0.002%). This variant has not been reported in the literature in individuals affected with IL23R-related conditions. ClinVar contains an entry for this variant (Variation ID: 1435733). An algorithm developed to predict the effect of missense changes on protein structure and function outputs the following: PolyPhen-2: "Possibly Damaging". The serine amino acid residue is found in multiple mammalian species, which suggests that this missense change does not adversely affect protein function. In summary, the available evidence is currently insufficient to determine the role of this variant in disease. Therefore, it has been classified as a Variant of Uncertain Significance.

NM_144701.3(IL23R):c.539A>G (p.Asn180Ser)

Gene: IL23R (interleukin 23 receptor; plus strand). Cytogenetic location: 1p31.3.
Variant type: single nucleotide variant.
Coding change: c.539A>G on transcript NM_144701.3 (MANE Select); coding-DNA position 539, A replaced by G.
Protein change: p.Asn180Ser; replaces asparagine 180 with serine.
Molecular consequence: missense variant.
Genome position (GRCh38, 1-based): chr1:67,200,784, A>G. VCF-style: chr1-67200784-A-G. GRCh37 (hg19) VCF-style: chr1-67666467-A-G.
Other names: short protein forms N180S.
Identifiers: ClinVar variation 1435733 (VCV001435733.6), dbSNP rs1036802029, ClinGen allele CA23525732.